The following is an entry in ClinVar:

NM_021008.4(DEAF1):c.1609C>T (p.Gln537Ter)

Gene: DEAF1 (DEAF1 transcription factor; minus strand). Cytogenetic location: 11p15.5.
Variant type: single nucleotide variant.
Coding change: c.1609C>T on transcript NM_021008.4 (MANE Select); coding-DNA position 1609, C replaced by T.
Protein change: p.Gln537Ter; replaces glutamine 537 with a stop codon.
Molecular consequence: nonsense.
Genome position (GRCh38, 1-based): chr11:644,639, G>A on the plus strand (C>T on the coding strand, the complement: DEAF1 is on the minus strand). VCF-style: chr11-644639-G-A. GRCh37 (hg19) VCF-style: chr11-644639-G-A.
Other names: c.1384C>T, p.Gln462Ter (NM_001293634.2); c.883C>T, p.Gln295Ter (NM_001367390.1); short protein forms Q537*, Q295*, Q462*.
Identifiers: ClinVar variation 489347 (VCV000489347.10), dbSNP rs759498621, ClinGen allele CA5786109.

ClinVar aggregate classification (germline): Uncertain significance. Review status: criteria provided, multiple submitters, no conflicts (2 of 4 stars). 3 submissions from 3 submitters: Uncertain significance (3). Last evaluated 2025-08-04.

Conditions:
Inborn genetic diseases. Identifiers: MedGen C0950123, MeSH D030342.

Allele frequency attached by ClinVar (database versions not stated): ExAC 0.00001; gnomAD 0.00001; gnomAD exomes 0.00001; TOPMed 0.00001.
gnomAD v4.1: 8 of 1,611,272 alleles (0.0005%); highest among the groups gnomAD compares: Non-Finnish European, 0.00017%; no homozygotes.

Submissions (3):

Labcorp Genetics (formerly Invitae), Labcorp
Classification: Uncertain significance. Last evaluated: 2025-08-04. Review status: criteria provided, single submitter. Criteria: Invitae Variant Classification Sherloc (09022015). Collection method: clinical testing. Allele origin: germline.
Comment: This sequence change creates a premature translational stop signal (p.Gln537*) in the DEAF1 gene. While this is not anticipated to result in nonsense mediated decay, it is expected to disrupt the last 29 amino acid(s) of the DEAF1 protein. The frequency data for this variant in the population databases is considered unreliable, as metrics indicate poor data quality at this position in the gnomAD database. This variant has not been reported in the literature in individuals affected with DEAF1-related conditions. ClinVar contains an entry for this variant (Variation ID: 489347). This variant disrupts the C-terminus of the DEAF1 protein. Other variant(s) that disrupt this region (p.Cys540Metfs*18) have been observed in individuals with DEAF1-related conditions (PMID: 30923367). This suggests that this may be a clinically significant region of the protein. In summary, the available evidence is currently insufficient to determine the role of this variant in disease. Therefore, it has been classified as a Variant of Uncertain Significance.

GeneDx
Classification: Uncertain significance. Last evaluated: 2024-07-22. Review status: criteria provided, single submitter. Criteria: GeneDx Variant Classification Process June 2021. Collection method: clinical testing. Allele origin: germline. Affected: yes.
Comment: Nonsense variant predicted to result in protein truncation as the last 29 amino acids are lost, although loss-of-function variants have not been reported downstream of this position in the protein; Has not been previously published as pathogenic or benign to our knowledge

Ambry Genetics
Classification: Uncertain significance for Inborn genetic diseases. Last evaluated: 2022-06-02. Review status: criteria provided, single submitter. Criteria: Ambry Variant Classification Scheme 2023. Collection method: clinical testing. Allele origin: germline.
Comment: Not expected to trigger nonsense-mediated mRNA decay Based on insufficient or conflicting evidence, the clinical significance of this alteration remains unclear.

Literature cited by the submitters: PubMed 30923367 (cited by Labcorp Genetics (formerly Invitae), Labcorp).